The following is an entry in ClinVar:

ClinVar aggregate classification (germline): Uncertain significance. Review status: criteria provided, multiple submitters, no conflicts (2 of 4 stars). 3 submissions from 3 submitters: Uncertain significance (3). Last evaluated 2025-08-31.

Conditions:
Inborn genetic diseases. Identifiers: MedGen C0950123, MeSH D030342.

Allele frequency attached by ClinVar (database versions not stated): gnomAD exomes below 0.00001.
gnomAD v4.1: 1 of 1,614,100 alleles (0.000062%); highest among the groups gnomAD compares: Non-Finnish European, 0.000085%; no homozygotes.

Submissions (3):

Ambry Genetics
Classification: Uncertain significance for Inborn genetic diseases. Last evaluated: 2025-08-31. Review status: criteria provided, single submitter. Criteria: Ambry Variant Classification Scheme 2023. Collection method: clinical testing. Allele origin: germline.

Labcorp Genetics (formerly Invitae), Labcorp
Classification: Uncertain significance. Last evaluated: 2025-07-19. Review status: criteria provided, single submitter. Criteria: Invitae Variant Classification Sherloc (09022015). Collection method: clinical testing. Allele origin: germline.
Comment: This sequence change replaces glycine, which is neutral and non-polar, with glutamic acid, which is acidic and polar, at codon 848 of the KMT2A protein (p.Gly848Glu). This variant is not present in population databases (gnomAD no frequency). This variant has not been reported in the literature in individuals affected with KMT2A-related conditions. ClinVar contains an entry for this variant (Variation ID: 2039088). Invitae Evidence Modeling of protein sequence and biophysical properties (such as structural, functional, and spatial information, amino acid conservation, physicochemical variation, residue mobility, and thermodynamic stability) indicates that this missense variant is expected to disrupt KMT2A protein function with a positive predictive value of 80%. In summary, the available evidence is currently insufficient to determine the role of this variant in disease. Therefore, it has been classified as a Variant of Uncertain Significance.

GeneDx
Classification: Uncertain significance. Last evaluated: 2023-10-24. Review status: criteria provided, single submitter. Criteria: GeneDx Variant Classification Process June 2021. Collection method: clinical testing. Allele origin: germline. Affected: yes.
Comment: Not observed at significant frequency in large population cohorts (gnomAD); In silico analysis supports that this missense variant has a deleterious effect on protein structure/function; Has not been previously published as pathogenic or benign to our knowledge

NM_001197104.2(KMT2A):c.2543G>A (p.Gly848Glu)

Gene: KMT2A (lysine methyltransferase 2A; plus strand). Cytogenetic location: 11q23.3.
Variant type: single nucleotide variant.
Coding change: c.2543G>A on transcript NM_001197104.2 (MANE Select); coding-DNA position 2543, G replaced by A.
Protein change: p.Gly848Glu; replaces glycine 848 with glutamic acid.
Molecular consequence: missense variant.
Genome position (GRCh38, 1-based): chr11:118,473,702, G>A. VCF-style: chr11-118473702-G-A. GRCh37 (hg19) VCF-style: chr11-118344417-G-A.
Other names: c.2642G>A, p.Gly881Glu (NM_001412597.1); c.2543G>A, p.Gly848Glu (NM_005933.4); short protein forms G881E, G848E.
Identifiers: ClinVar variation 2039088 (VCV002039088.6), dbSNP rs2134270085, ClinGen allele CA382816019.